The following is an entry in ClinVar:

ClinVar aggregate classification (germline): Uncertain significance. Review status: criteria provided, multiple submitters, no conflicts (2 of 4 stars). 2 submissions from 2 submitters: Uncertain significance (2). Last evaluated 2025-08-15.

Conditions:
Granulomatous disease, chronic, X-linked. Also called: GRANULOMATOUS DISEASE, CHRONIC, X-LINKED, SOMATIC MOSAIC; CYTOCHROME b-NEGATIVE GRANULOMATOUS DISEASE, CHRONIC, X-LINKED. Identifiers: Orphanet 379, MedGen C1844376, MONDO:0010600, OMIM 306400.

Allele frequency attached by ClinVar (database versions not stated): gnomAD exomes 0.00001.
gnomAD v4.1: 5 of 1,206,826 alleles (0.00041%); highest among the groups gnomAD compares: Non-Finnish European, 0.00056%; no homozygotes.

Submissions (3):

GeneDx
Classification: Uncertain significance. Last evaluated: 2025-08-15. Review status: criteria provided, single submitter. Criteria: GeneDx Variant Classification Process June 2021. Collection method: clinical testing. Allele origin: germline. Affected: yes.
Comment: Not observed at significant frequency in large population cohorts (gnomAD); In silico analysis supports that this missense variant has a deleterious effect on protein structure/function; Has not been previously published as pathogenic or benign to our knowledge

Labcorp Genetics (formerly Invitae), Labcorp
Classification: Uncertain significance for Granulomatous disease, chronic, X-linked. Last evaluated: 2021-09-01. Review status: criteria provided, single submitter. Criteria: Invitae Variant Classification Sherloc (09022015). Collection method: clinical testing. Allele origin: germline.
Comment: This sequence change replaces tryptophan with cysteine at codon 289 of the CYBB protein (p.Trp289Cys). The tryptophan residue is highly conserved and there is a large physicochemical difference between tryptophan and cysteine. This variant is not present in population databases (ExAC no frequency). This variant has not been reported in the literature in individuals affected with CYBB-related conditions. Algorithms developed to predict the effect of missense changes on protein structure and function are either unavailable or do not agree on the potential impact of this missense change (SIFT: "Deleterious"; PolyPhen-2: "Benign"; Align-GVGD: "Class C45"). In summary, the available evidence is currently insufficient to determine the role of this variant in disease. Therefore, it has been classified as a Variant of Uncertain Significance.

Dr. Peter K. Rogan Lab, Western University
No classification provided (evidence only). Condition: Thyroid cancer, nonmedullary, 1. Review status: no classification provided. Collection method: in vitro. Allele origin: not applicable. Functional consequence: retained intron. Not counted in ClinVar's aggregate classification.

NM_000397.4(CYBB):c.867G>T (p.Trp289Cys)

Gene: CYBB (cytochrome b-245 beta chain; plus strand). Cytogenetic location: Xp11.4.
Variant type: single nucleotide variant.
Coding change: c.867G>T on transcript NM_000397.4 (MANE Select); coding-DNA position 867, G replaced by T.
Protein change: p.Trp289Cys; replaces tryptophan 289 with cysteine.
Molecular consequence: missense variant.
Genome position (GRCh38, 1-based): chrX:37,801,318, G>T. VCF-style: chrX-37801318-G-T. GRCh37 (hg19) VCF-style: chrX-37660571-G-T.
Other names: short protein forms W289C.
Identifiers: ClinVar variation 951029 (VCV000951029.9), dbSNP rs1929434069, ClinGen allele CA412976924.
Genomic context (GRCh38, chrX:37,801,318, plus strand): 5'-TTGGAAATGGATAGTGGGTCCCATGTTTCTGTATCTCTGTGAGAGGTTGGTGCGGTTTTG[G>T]CGATCTCAACAGAAGGTGGTCATCACCAAGGTACTGATTGGTTTAGTAATTACTAGTGGT-3'
Protein context (NP_000388.2, residues 279-299): LYLCERLVRF[Trp289Cys]RSQQKVVITK